The following is an entry in ClinVar:

ClinVar aggregate classification (germline): Uncertain significance (1 of 4 stars; one submission).

Conditions:
Familial cancer of breast. Also called: Hereditary breast cancer; BREAST CANCER, FAMILIAL; hereditary breast carcinoma. Identifiers: Orphanet 227535, MedGen C0346153, MONDO:0016419, OMIM 114480. Disease mechanism: loss of function.

Submission:

Labcorp Genetics (formerly Invitae), Labcorp
Classification: Uncertain significance for Familial cancer of breast. Last evaluated: 2024-12-04. Review status: criteria provided, single submitter. Criteria: Invitae Variant Classification Sherloc (09022015). Collection method: clinical testing. Allele origin: germline.
Comment: This variant, c.1453_1458del, results in the deletion of 2 amino acid(s) of the PALB2 protein (p.Thr485_Lys486del), but otherwise preserves the integrity of the reading frame. This variant is not present in population databases (gnomAD no frequency). This variant has not been reported in the literature in individuals affected with PALB2-related conditions. In summary, the available evidence is currently insufficient to determine the role of this variant in disease. Therefore, it has been classified as a Variant of Uncertain Significance.

NM_024675.4(PALB2):c.1453_1458del (p.Thr485_Lys486del)

Gene: PALB2 (partner and localizer of BRCA2; minus strand). Cytogenetic location: 16p12.2.
Variant type: Deletion.
Coding change: c.1453_1458del on transcript NM_024675.4 (MANE Select); coding-DNA positions 1453 to 1458, 6 bases deleted (ACTAAA; older notation c.1453_1458delACTAAA).
Protein change: p.Thr485_Lys486del.
Molecular consequence: intron variant (on NM_001407314.1).
Genome position (GRCh38, 1-based): chr16:23,635,088-23,635,093, TTTAGT deleted on the plus strand (ACTAAA on the coding strand, the reverse complement: PALB2 is on the minus strand); deleting any 6 consecutive bases within chr16:23,635,088-23,635,094 gives the same sequence; the c. name uses the placement nearest the transcript's 3' end. VCF-style (leftmost placement, unchanged base first): chr16-23635087-CTTTAGT-C. GRCh37 (hg19) VCF-style: chr16-23646408-CTTTAGT-C.
Other names: c.1393_1398del, p.Thr465_Lys466del (NM_001407296.1); c.1453_1458del, p.Thr485_Lys486del (NM_001407297.1, NM_001407298.1, NM_001407299.1 and 3 more transcripts); c.568_573del, p.Thr190_Lys191del (NM_001407304.1, NM_001407305.1, NM_001407306.1 and 5 more transcripts); c.49-5818_49-5813del (NM_001407314.1); c.-104-4624_-104-4619del (NM_001407313.1, NM_001407312.1).
Identifiers: ClinVar variation 3726587 (VCV003726587.2).